The following is an entry in ClinVar:

ClinVar aggregate classification (germline): Pathogenic (1 of 4 stars; one submission).
ClinVar aggregate classification (oncogenicity): Oncogenic (1 of 4 stars; one submission).

Conditions:
Neurofibromatosis, type 2 (SWNV). Also called: BILATERAL ACOUSTIC NEUROFIBROMATOSIS; SCHWANNOMATOSIS, VESTIBULAR; NF2-Related Schwannomatosis. Identifiers: Orphanet 637, MedGen C0027832, MONDO:0007039, OMIM 101000. Disease mechanism: loss of function.
Meningioma. Also called: Meningioma, somatic. Identifiers: Orphanet 2495, MedGen C0025286, MONDO:0016642, HP:0002858.

Submissions (2):

Dr. Guy Rouleau's laboratory, McGill University
Classification: Oncogenic for Meningioma. Last evaluated: 2025-03-30. Review status: criteria provided, single submitter. Criteria: ClinGen/CGC/VICC Guidelines for Oncogenicity, 2022. Collection method: research. Allele origin: somatic. Affected: yes.
Comment: This nonsense variant generates a premature translational stop signal (p.Tyr177Ter) in the NF2 gene, which is expected to result in an absent or disrupted protein product. Loss-of-function variants in NF2 are well-documented as pathogenic (PMIDs: 8755919, 9643284, 16983642). This somatic variant was identified in a paired tumor-blood sequencing study of meningiomas. It has also been observed in individuals with neurofibromatosis type 2 (PMIDs: 8755919, 7717450, 8755919). However, this variant has not been reported in population databases (gnomAD v2.1.1: no frequency).

Labcorp Genetics (formerly Invitae), Labcorp
Classification: Pathogenic for Neurofibromatosis, type 2. Last evaluated: 2019-06-12. Review status: criteria provided, single submitter. Criteria: Invitae Variant Classification Sherloc (09022015). Collection method: clinical testing. Allele origin: germline.
Comment: This variant has been observed in an individual affected with neurofibromatosis type 2 (PMID: 8755919). This variant is not present in population databases (ExAC no frequency). This sequence change creates a premature translational stop signal (p.Tyr177*) in the NF2 gene. It is expected to result in an absent or disrupted protein product. Loss-of-function variants in NF2 are known to be pathogenic (PMID: 9643284, 16983642). For these reasons, this variant has been classified as Pathogenic.

Literature cited by the submitters: PubMed 8755919 (cited by Labcorp Genetics (formerly Invitae), Labcorp); PubMed 9643284 (cited by Labcorp Genetics (formerly Invitae), Labcorp); PubMed 16983642 (cited by Labcorp Genetics (formerly Invitae), Labcorp).

NM_000268.4(NF2):c.531T>A (p.Tyr177Ter)

Gene: NF2 (NF2, moesin-ezrin-radixin like (MERLIN) tumor suppressor; plus strand). Cytogenetic location: 22q12.2.
Variant type: single nucleotide variant.
Coding change: c.531T>A on transcript NM_000268.4 (MANE Select); coding-DNA position 531, T replaced by A.
Protein change: p.Tyr177Ter; replaces tyrosine 177 with a stop codon.
Molecular consequence: nonsense. On other transcripts: non-coding transcript variant (1), intron variant (1).
Genome position (GRCh38, 1-based): chr22:29,655,608, T>A. VCF-style: chr22-29655608-T-A. GRCh37 (hg19) VCF-style: chr22-30051597-T-A.
Other names: c.531T>A, p.Tyr177Ter (NM_016418.5, NM_181825.3, NM_181832.3); c.405T>A, p.Tyr135Ter (NM_181828.3); c.408T>A, p.Tyr136Ter (NM_181829.3); c.282T>A, p.Tyr94Ter (NM_181830.3, NM_181831.3); c.447+13323T>A (NM_181833.3); short protein forms Y94*, Y135*, Y177*, Y136*.
Identifiers: ClinVar variation 945454 (VCV000945454.11), dbSNP rs780880330, ClinGen allele CA411142303.